The following is an entry in ClinVar:

ClinVar aggregate classification (germline): Likely pathogenic (1 of 4 stars; one submission).

Allele frequency attached by ClinVar (database versions not stated): gnomAD exomes below 0.00001.
gnomAD v4.1: 1 of 1,584,876 alleles (0.000063%); highest among the groups gnomAD compares: Non-Finnish European, 0.000087%; no homozygotes.

Submission:

Labcorp Genetics (formerly Invitae), Labcorp
Classification: Likely pathogenic. Last evaluated: 2022-01-28. Review status: criteria provided, single submitter. Criteria: Invitae Variant Classification Sherloc (09022015). Collection method: clinical testing. Allele origin: germline.
Comment: This variant is not present in population databases (gnomAD no frequency). In summary, the currently available evidence indicates that the variant is pathogenic, but additional data are needed to prove that conclusively. Therefore, this variant has been classified as Likely Pathogenic. Algorithms developed to predict the effect of sequence changes on RNA splicing suggest that this variant may disrupt the consensus splice site. This variant has not been reported in the literature in individuals affected with NDUFAF5-related conditions. This sequence change affects a donor splice site in intron 5 of the NDUFAF5 gene. It is expected to disrupt RNA splicing. Variants that disrupt the donor or acceptor splice site typically lead to a loss of protein function (PMID: 16199547), and loss-of-function variants in NDUFAF5 are known to be pathogenic (PMID: 26275793, 30473481, 32918965).

Literature cited by the submitters: PubMed 16199547; PubMed 26275793; PubMed 30473481; PubMed 32918965.

NM_024120.5(NDUFAF5):c.479+1G>C

Gene: NDUFAF5 (NADH:ubiquinone oxidoreductase complex assembly factor 5; plus strand). Cytogenetic location: 20p12.1.
Variant type: single nucleotide variant.
Coding change: c.479+1G>C on transcript NM_024120.5 (MANE Select); the canonical splice donor site of the intron after coding-DNA position 479, G replaced by C.
Molecular consequence: splice donor variant. On other transcripts: intron variant (2).
Genome position (GRCh38, 1-based): chr20:13,794,942, G>C. VCF-style: chr20-13794942-G-C. GRCh37 (hg19) VCF-style: chr20-13775588-G-C.
Other names: c.-83+1G>C (NM_001352407.2, NM_001352406.2); c.395+1715G>C (NM_001039375.3); c.8+1715G>C (NM_001352403.2); c.479+1G>C (NM_001352408.2).
Identifiers: ClinVar variation 1973722 (VCV001973722.5), dbSNP rs2516152865, ClinGen allele CA408269020.